The following is an entry in ClinVar:

NM_007294.4(BRCA1):c.3581C>G (p.Thr1194Ser)

Genes: BRCA1 (BRCA1 DNA repair associated; minus strand), LOC126862571 (BRD4-independent group 4 enhancer GRCh37_chr17:41243136-41244335; plus strand). Cytogenetic location: 17q21.31.
Variant type: single nucleotide variant.
Coding change: c.3581C>G on transcript NM_007294.4 (MANE Select); coding-DNA position 3581, C replaced by G.
Protein change: p.Thr1194Ser; replaces threonine 1194 with serine.
Molecular consequence: missense variant. On other transcripts: intron variant (135).
Genome position (GRCh38, 1-based): chr17:43,091,950, G>C on the plus strand (C>G on the coding strand, the complement: BRCA1 is on the minus strand). VCF-style: chr17-43091950-G-C. GRCh37 (hg19) VCF-style: chr17-41243967-G-C.
Other names: c.3581C>G, p.Thr1194Ser (NM_001407596.1, NM_001407597.1, NM_001407598.1 and 30 more transcripts); c.3578C>G, p.Thr1193Ser (NM_001407587.1, NM_001407590.1, NM_001407591.1 and 22 more transcripts); c.3368C>G, p.Thr1123Ser (NM_001407571.1, NM_001407853.1, NM_001407894.1 and 9 more transcripts); c.3248C>G, p.Thr1083Ser (NM_001407949.1, NM_001407950.1, NM_001407951.1 and 6 more transcripts); c.3245C>G, p.Thr1082Ser (NM_001407954.1, NM_001407955.1, NM_001407956.1 and 1 more transcripts); c.3200C>G, p.Thr1067Ser (NM_001407959.1, NM_001407960.1, NM_001407963.1); c.3197C>G, p.Thr1066Ser (NM_001407962.1); c.3437C>G, p.Thr1146Ser (NM_001407964.1, NM_001407740.1, NM_001407741.1 and 20 more transcripts); and 41 more; short protein forms T1147S, T1194S, T326S, T1124S, T1126S, T1146S, T1168S, T1026S.
Identifiers: ClinVar variation 965434 (VCV000965434.15), dbSNP rs80357290, ClinGen allele CA10594799.
Genomic context (GRCh38, chr17:43,091,950, plus strand): 5'-TCTTCTGAGGACTCTAATTTCTTGGCCCCTCTTCGGTAACCCTGAGCCAAATGTGTATGG[G>C]TGAAAGGGCTAGGACTCCTGCTAAGCTCTCCTTTCTGGACGCTTTTGCTAAAAACAGCAG-3'
Protein context (NP_009225.1, residues 1184-1204): GELSRSPSPF[Thr1194Ser]HTHLAQGYRR

ClinVar aggregate classification (germline): Conflicting classifications of pathogenicity. Review status: criteria provided, conflicting classifications (1 of 4 stars). 4 submissions from 4 submitters: Uncertain significance (3); Likely benign (1). Last evaluated 2025-11-27.

Conditions:
Hereditary cancer-predisposing syndrome. Also called: Hereditary neoplastic syndrome; Neoplastic Syndromes, Hereditary; Hereditary Cancer Syndrome; Tumor predisposition. Identifiers: Orphanet 140162, MedGen C0027672, MeSH D009386, MONDO:0015356.
Hereditary breast ovarian cancer syndrome. Also called: Hereditary breast and ovarian cancer; Hereditary breast and/or ovarian cancer syndrome; Hereditary breast and ovarian cancer syndrome; Hereditary breast and ovarian cancer syndrome (HBOC); Breast and ovarian cancer; BRCA1- and BRCA2-Associated Hereditary Breast and Ovarian Cancer. Identifiers: Orphanet 145, MedGen C0677776, MeSH D061325, MONDO:0003582. Disease mechanism: loss of function.

Submissions (4):

Labcorp Genetics (formerly Invitae), Labcorp
Classification: Uncertain significance for Hereditary breast ovarian cancer syndrome. Last evaluated: 2025-11-27. Review status: criteria provided, single submitter. Criteria: Invitae Variant Classification Sherloc (09022015). Collection method: clinical testing. Allele origin: germline.
Comment: This sequence change replaces threonine, which is neutral and polar, with serine, which is neutral and polar, at codon 1194 of the BRCA1 protein (p.Thr1194Ser). This variant is not present in population databases (gnomAD no frequency). This variant has not been reported in the literature in individuals affected with BRCA1-related conditions. ClinVar contains an entry for this variant (Variation ID: 965434). Invitae Evidence Modeling of protein sequence and biophysical properties (such as structural, functional, and spatial information, amino acid conservation, physicochemical variation, residue mobility, and thermodynamic stability) indicates that this missense variant is not expected to disrupt BRCA1 protein function with a negative predictive value of 80%. In summary, the available evidence is currently insufficient to determine the role of this variant in disease. Therefore, it has been classified as a Variant of Uncertain Significance.

Women's Health and Genetics/Laboratory Corporation of America, LabCorp
Classification: Uncertain significance. Last evaluated: 2025-05-08. Review status: criteria provided, single submitter. Criteria: LabCorp Variant Classification Summary - May 2015. Collection method: clinical testing. Allele origin: germline.

Ambry Genetics
Classification: Uncertain significance for Hereditary cancer-predisposing syndrome. Last evaluated: 2023-08-29. Review status: criteria provided, single submitter. Criteria: Ambry Variant Classification Scheme 2023. Collection method: clinical testing. Allele origin: germline.
Comment: The p.T1194S variant (also known as c.3581C>G), located in coding exon 9 of the BRCA1 gene, results from a C to G substitution at nucleotide position 3581. The threonine at codon 1194 is replaced by serine, an amino acid with similar properties. This amino acid position is conserved. In addition, this alteration is predicted to be tolerated by in silico analysis. Since supporting evidence is limited at this time, the clinical significance of this alteration remains unclear.

University of Washington Department of Laboratory Medicine, University of Washington
Classification: Likely benign for Hereditary cancer-predisposing syndrome. Last evaluated: 2023-03-23. Review status: criteria provided, single submitter. Criteria: Dines et al. (Genet Med. 2020). Collection method: curation. Allele origin: germline.
Comment: Missense variant in a coldspot region where missense variants are very unlikely to be pathogenic (PMID:31911673).

BRCA1 coldspot (exon 11 using historical exon numbering). Reclassification based on statistical prior probability